The following is an entry in ClinVar:

ClinVar aggregate classification (germline): Uncertain significance (1 of 4 stars; one submission).

Submission:

Women's Health and Genetics/Laboratory Corporation of America, LabCorp
Classification: Uncertain significance. Last evaluated: 2025-06-06. Review status: criteria provided, single submitter. Criteria: LabCorp Variant Classification Summary - May 2015. Collection method: clinical testing. Allele origin: germline.
Comment: Variant summary: BTD c.1466C>A (p.Pro489His) results in a non-conservative amino acid change in the encoded protein sequence. Algorithms developed to predict the effect of missense changes on protein structure and function are either unavailable or do not agree on the potential impact of this missense change. The variant was absent in 251238 control chromosomes. The available data on variant occurrences in the general population are insufficient to allow any conclusion about variant significance. These data do not allow any conclusion about variant significance. To our knowledge, no experimental evidence demonstrating an impact on protein function has been reported. No submitters have cited clinical-significance assessments for this variant to ClinVar. Based on the evidence outlined above, the variant was classified as uncertain significance.

NM_001370658.1(BTD):c.1466C>A (p.Pro489His)

Gene: BTD (biotinidase; plus strand). Cytogenetic location: 3p25.1.
Variant type: single nucleotide variant.
Coding change: c.1466C>A on transcript NM_001370658.1 (MANE Select); coding-DNA position 1466, C replaced by A.
Protein change: p.Pro489His; replaces proline 489 with histidine.
Molecular consequence: missense variant. On other transcripts: intron variant (8).
Genome position (GRCh38, 1-based): chr3:15,645,382, C>A. VCF-style: chr3-15645382-C-A. GRCh37 (hg19) VCF-style: chr3-15686889-C-A.
Other names: c.1466C>A, p.Pro489His (NM_001281723.4, NM_001281724.3, NM_001281725.3 and 16 more transcripts); c.1015+451C>A (NM_001370752.1, NM_001407379.1); c.399+3325C>A (NM_001370753.1, NM_001407400.1, NM_001407380.1 and 3 more transcripts); short protein forms P489H.
Identifiers: ClinVar variation 3907315 (VCV003907315.1).